The following is an entry in ClinVar:

ClinVar aggregate classification (germline): Conflicting classifications of pathogenicity. Review status: criteria provided, conflicting classifications (1 of 4 stars). 4 submissions from 4 submitters: Uncertain significance (3); Likely benign (1). Last evaluated 2026-07-18.

Conditions:
Hereditary cancer-predisposing syndrome. Also called: Tumor predisposition; Neoplastic Syndromes, Hereditary; Hereditary Cancer Syndrome; Hereditary neoplastic syndrome. Identifiers: Orphanet 140162, MedGen C0027672, MeSH D009386, MONDO:0015356.
Hereditary breast ovarian cancer syndrome. Also called: Hereditary breast and ovarian cancer; Hereditary breast and ovarian cancer syndrome (HBOC); Breast and ovarian cancer; BRCA1- and BRCA2-Associated Hereditary Breast and Ovarian Cancer; Hereditary breast and ovarian cancer syndrome; Hereditary breast and/or ovarian cancer syndrome. Identifiers: Orphanet 145, MedGen C0677776, MeSH D061325, MONDO:0003582. Disease mechanism: loss of function.

Submissions (4):

Ambry Genetics
Classification: Uncertain significance for Hereditary cancer-predisposing syndrome. Last evaluated: 2026-07-18. Review status: criteria provided, single submitter. Criteria: Ambry Variant Classification Scheme 2023. Collection method: clinical testing. Allele origin: germline.
Comment: The p.S795T variant (also known as c.2383T>A), located in coding exon 10 of the BRCA2 gene, results from a T to A substitution at nucleotide position 2383. The serine at codon 795 is replaced by threonine, an amino acid with similar properties. This amino acid position is conserved. In addition, this alteration is predicted to be tolerated by in silico analysis. Based on the available evidence, the clinical significance of this variant remains unclear.

Labcorp Genetics (formerly Invitae), Labcorp
Classification: Uncertain significance for Hereditary breast ovarian cancer syndrome. Last evaluated: 2025-05-24. Review status: criteria provided, single submitter. Criteria: Invitae Variant Classification Sherloc (09022015). Collection method: clinical testing. Allele origin: germline.
Comment: This sequence change replaces serine, which is neutral and polar, with threonine, which is neutral and polar, at codon 795 of the BRCA2 protein (p.Ser795Thr). This variant is not present in population databases (gnomAD no frequency). This variant has not been reported in the literature in individuals affected with BRCA2-related conditions. ClinVar contains an entry for this variant (Variation ID: 236839). Invitae Evidence Modeling of protein sequence and biophysical properties (such as structural, functional, and spatial information, amino acid conservation, physicochemical variation, residue mobility, and thermodynamic stability) indicates that this missense variant is not expected to disrupt BRCA2 protein function with a negative predictive value of 95%. In summary, the available evidence is currently insufficient to determine the role of this variant in disease. Therefore, it has been classified as a Variant of Uncertain Significance.

University of Washington Department of Laboratory Medicine, University of Washington
Classification: Likely benign for Hereditary cancer-predisposing syndrome. Last evaluated: 2023-03-23. Review status: criteria provided, single submitter. Criteria: Dines et al. (Genet Med. 2020). Collection method: curation. Allele origin: germline.
Comment: Missense variant in a coldspot region where missense variants are very unlikely to be pathogenic (PMID:31911673).

BRCA2 exon 11 coldspot. Reclassification based on statistical prior probability.

GeneDx
Classification: Uncertain significance. Last evaluated: 2019-11-06. Review status: criteria provided, single submitter. Criteria: GeneDx Variant Classification Process June 2021. Collection method: clinical testing. Allele origin: germline. Affected: yes.
Comment: Has not been previously published as pathogenic or benign to our knowledge; Not observed in large population cohorts (Lek 2016); In silico analysis, which includes protein predictors and evolutionary conservation, supports that this variant does not alter protein structure/function; Also known as 2611T>A

NM_000059.4(BRCA2):c.2383T>A (p.Ser795Thr)

Gene: BRCA2 (BRCA2 DNA repair associated; plus strand). Cytogenetic location: 13q13.1.
Variant type: single nucleotide variant.
Coding change: c.2383T>A on transcript NM_000059.4 (MANE Select); coding-DNA position 2383, T replaced by A.
Protein change: p.Ser795Thr; replaces serine 795 with threonine.
Molecular consequence: missense variant.
Genome position (GRCh38, 1-based): chr13:32,336,738, T>A. VCF-style: chr13-32336738-T-A. GRCh37 (hg19) VCF-style: chr13-32910875-T-A.
Other names: short protein forms S795T.
Identifiers: ClinVar variation 236839 (VCV000236839.13), dbSNP rs878853563, ClinGen allele CA10583081.
Genomic context (GRCh38, chr13:32,336,738, plus strand): 5'-TCCAAGGATGTTCTGTCAAACCTAGTCATGATTTCTAGAGGCAAAGAATCATACAAAATG[T>A]CAGACAAGCTCAAAGGTAACAATTATGAATCTGATGTTGAATTAACCAAAAATATTCCCA-3'
Protein context (NP_000050.3, residues 785-805): ISRGKESYKM[Ser795Thr]DKLKGNNYES